The following is an entry in ClinVar:

NM_001040108.2(MLH3):c.1144G>T (p.Val382Leu)

Gene: MLH3 (mutL homolog 3; minus strand). Cytogenetic location: 14q24.3.
Variant type: single nucleotide variant.
Coding change: c.1144G>T on transcript NM_001040108.2 (MANE Select); coding-DNA position 1144, G replaced by T.
Protein change: p.Val382Leu; replaces valine 382 with leucine.
Molecular consequence: missense variant.
Genome position (GRCh38, 1-based): chr14:75,048,512, C>A on the plus strand (G>T on the coding strand, the complement: MLH3 is on the minus strand). VCF-style: chr14-75048512-C-A. GRCh37 (hg19) VCF-style: chr14-75515215-C-A.
Other names: c.1144G>T, p.Val382Leu (NM_014381.3); short protein forms V382L.
Identifiers: ClinVar variation 314389 (VCV000314389.11), dbSNP rs558393444, ClinGen allele CA7275918.

ClinVar aggregate classification (germline): Uncertain significance. Review status: criteria provided, multiple submitters, no conflicts (2 of 4 stars). 3 submissions from 3 submitters: Uncertain significance (3). Last evaluated 2024-11-05.

Conditions:
Colorectal cancer, hereditary nonpolyposis, type 7. Identifiers: Orphanet 144, MedGen C1858380, MONDO:0013725, OMIM 614385.

Allele frequency attached by ClinVar (database versions not stated): gnomAD below 0.00001 and 0.00002; gnomAD exomes 0.00006; ExAC 0.00007; 1000 Genomes Project 0.00020; 1000 Genomes Project 30x 0.00031.

Submissions (3):

Labcorp Genetics (formerly Invitae), Labcorp
Classification: Uncertain significance for Colorectal cancer, hereditary nonpolyposis, type 7. Last evaluated: 2024-11-05. Review status: criteria provided, single submitter. Criteria: Invitae Variant Classification Sherloc (09022015). Collection method: clinical testing. Allele origin: germline.
Comment: This sequence change replaces valine, which is neutral and non-polar, with leucine, which is neutral and non-polar, at codon 382 of the MLH3 protein (p.Val382Leu). This variant is present in population databases (rs558393444, gnomAD 0.04%), and has an allele count higher than expected for a pathogenic variant. This variant has not been reported in the literature in individuals affected with MLH3-related conditions. ClinVar contains an entry for this variant (Variation ID: 314389). An algorithm developed to predict the effect of missense changes on protein structure and function outputs the following: PolyPhen-2: "Benign". The leucine amino acid residue is found in multiple mammalian species, which suggests that this missense change does not adversely affect protein function. In summary, the available evidence is currently insufficient to determine the role of this variant in disease. Therefore, it has been classified as a Variant of Uncertain Significance.

Ambry Genetics
Classification: Uncertain significance. Last evaluated: 2024-09-27. Review status: criteria provided, single submitter. Criteria: Ambry Variant Classification Scheme 2023. Collection method: clinical testing. Allele origin: germline.
Comment: The p.V382L variant (also known as c.1144G>T), located in coding exon 1 of the MLH3 gene, results from a G to T substitution at nucleotide position 1144. The valine at codon 382 is replaced by leucine, an amino acid with highly similar properties. This amino acid position is not well conserved in available vertebrate species. In addition, this alteration is predicted to be tolerated by in silico analysis. Since supporting evidence is limited at this time, the clinical significance of this alteration remains unclear.

Illumina Laboratory Services, Illumina
Classification: Uncertain significance for Colorectal cancer, hereditary nonpolyposis, type 7. Last evaluated: 2018-01-12. Review status: criteria provided, single submitter. Criteria: ICSL Variant Classification Criteria 13 December 2019. Collection method: clinical testing. Allele origin: germline.